The following is an entry in ClinVar:

ClinVar aggregate classification (germline): Uncertain significance (1 of 4 stars; one submission).

Allele frequency attached by ClinVar (database versions not stated): gnomAD exomes 0.00001; TOPMed 0.00001; ExAC 0.00002; gnomAD 0.00002; ESP Exome Variant Server 0.00008.
gnomAD v4.1: 19 of 1,613,942 alleles (0.0012%); highest among the groups gnomAD compares: South Asian, 0.0033%; no homozygotes.

Submission:

Labcorp Genetics (formerly Invitae), Labcorp
Classification: Uncertain significance. Last evaluated: 2022-08-19. Review status: criteria provided, single submitter. Criteria: Invitae Variant Classification Sherloc (09022015). Collection method: clinical testing. Allele origin: germline.
Comment: This sequence change replaces arginine, which is basic and polar, with cysteine, which is neutral and slightly polar, at codon 287 of the RSPRY1 protein (p.Arg287Cys). This variant is present in population databases (rs369554037, gnomAD 0.003%). In summary, the available evidence is currently insufficient to determine the role of this variant in disease. Therefore, it has been classified as a Variant of Uncertain Significance. Algorithms developed to predict the effect of missense changes on protein structure and function are either unavailable or do not agree on the potential impact of this missense change (SIFT: "Deleterious"; PolyPhen-2: "Probably Damaging"; Align-GVGD: "Class C0"). This variant has not been reported in the literature in individuals affected with RSPRY1-related conditions.

NM_133368.3(RSPRY1):c.859C>T (p.Arg287Cys)

Gene: RSPRY1 (ring finger and SPRY domain containing 1; plus strand). Cytogenetic location: 16q13.
Variant type: single nucleotide variant.
Coding change: c.859C>T on transcript NM_133368.3 (MANE Select); coding-DNA position 859, C replaced by T.
Protein change: p.Arg287Cys; replaces arginine 287 with cysteine.
Molecular consequence: missense variant.
Genome position (GRCh38, 1-based): chr16:57,216,993, C>T. VCF-style: chr16-57216993-C-T. GRCh37 (hg19) VCF-style: chr16-57250905-C-T.
Other names: c.859C>T, p.Arg287Cys (NM_001305163.2, NM_001305164.2); short protein forms R287C.
Identifiers: ClinVar variation 1917499 (VCV001917499.5), dbSNP rs369554037, ClinGen allele CA8074583.